The following is an entry in ClinVar:

ClinVar aggregate classification (germline): Benign/Likely benign. Review status: criteria provided, multiple submitters, no conflicts (2 of 4 stars). 3 submissions from 3 submitters: Benign (2); Likely benign (1). Last evaluated 2025-10-21.

Allele frequency attached by ClinVar (database versions not stated): ExAC 0.00004; gnomAD 0.00014 and 0.00015; gnomAD exomes 0.00014; TOPMed 0.00024.
gnomAD v4.1: 81 of 1,614,044 alleles (0.005%); highest among the groups gnomAD compares: Admixed American, 0.13%; no homozygotes.

Submissions (3):

Labcorp Genetics (formerly Invitae), Labcorp
Classification: Benign. Last evaluated: 2025-10-21. Review status: criteria provided, single submitter. Criteria: Invitae Variant Classification Sherloc (09022015). Collection method: clinical testing. Allele origin: germline.

CeGaT Center for Human Genetics Tuebingen
Classification: Likely benign. Last evaluated: 2024-09-01. Review status: criteria provided, single submitter. Criteria: CeGaT Center For Human Genetics Tuebingen Variant Classification Criteria Version 2. Collection method: clinical testing. Allele origin: germline. Affected: yes. Observed: 1 variant allele.
Comment: SMARCA2: BP4, BP7, BS1

GeneDx
Classification: Benign. Last evaluated: 2021-09-14. Review status: criteria provided, single submitter. Criteria: GeneDx Variant Classification Process June 2021. Collection method: clinical testing. Allele origin: germline. Affected: yes.

NM_003070.5(SMARCA2):c.1428C>G (p.Leu476=)

Gene: SMARCA2 (SWI/SNF related BAF chromatin remodeling complex subunit ATPase 2; plus strand). Cytogenetic location: 9p24.3.
Variant type: single nucleotide variant.
Coding change: c.1428C>G on transcript NM_003070.5 (MANE Select); coding-DNA position 1428, C replaced by G.
Protein change: p.Leu476=; no amino-acid change (leucine 476 retained).
Molecular consequence: synonymous variant.
Genome position (GRCh38, 1-based): chr9:2,058,371, C>G. VCF-style: chr9-2058371-C-G. GRCh37 (hg19) VCF-style: chr9-2058371-C-G.
Other names: c.1428C>G, p.Leu476= (NM_001289396.2, NM_001289397.2, NM_139045.4).
Identifiers: ClinVar variation 1302814 (VCV001302814.23), dbSNP rs768798608, ClinGen allele CA4963156.